The following is an entry in ClinVar:

ClinVar aggregate classification (germline): Uncertain significance (1 of 4 stars; one submission).

Conditions:
Arrhythmogenic right ventricular dysplasia 13. Also called: ARRHYTHMOGENIC RIGHT VENTRICULAR CARDIOMYOPATHY 13; Arrhythmogenic right ventricular dysplasia, familial, 13. Identifiers: MedGen C3810138, MONDO:0000908, OMIM 615616.

Allele frequency attached by ClinVar (database versions not stated): TOPMed below 0.00001; gnomAD 0.00001; gnomAD exomes 0.00001; ExAC 0.00002.
gnomAD v4.1: 3 of 1,609,130 alleles (0.00019%); highest among the groups gnomAD compares: Non-Finnish European, 0.00025%; no homozygotes.

Submission:

Labcorp Genetics (formerly Invitae), Labcorp
Classification: Uncertain significance for Arrhythmogenic right ventricular dysplasia 13. Last evaluated: 2021-11-28. Review status: criteria provided, single submitter. Criteria: Invitae Variant Classification Sherloc (09022015). Collection method: clinical testing. Allele origin: germline.
Comment: This variant has not been reported in the literature in individuals affected with CTNNA3-related conditions. In summary, the available evidence is currently insufficient to determine the role of this variant in disease. Therefore, it has been classified as a Variant of Uncertain Significance. Algorithms developed to predict the effect of missense changes on protein structure and function are either unavailable or do not agree on the potential impact of this missense change (SIFT: "Deleterious"; PolyPhen-2: "Possibly Damaging"; Align-GVGD: "Class C0"). This variant is present in population databases (rs760248318, gnomAD 0.002%). This sequence change replaces threonine, which is neutral and polar, with proline, which is neutral and non-polar, at codon 36 of the CTNNA3 protein (p.Thr36Pro).

NM_013266.4(CTNNA3):c.106A>C (p.Thr36Pro)

Gene: CTNNA3 (catenin alpha 3; minus strand). Cytogenetic location: 10q21.3.
Variant type: single nucleotide variant.
Coding change: c.106A>C on transcript NM_013266.4 (MANE Select); coding-DNA position 106, A replaced by C.
Protein change: p.Thr36Pro; replaces threonine 36 with proline.
Molecular consequence: missense variant.
Genome position (GRCh38, 1-based): chr10:67,607,043, T>G on the plus strand (A>C on the coding strand, the complement: CTNNA3 is on the minus strand). VCF-style: chr10-67607043-T-G. GRCh37 (hg19) VCF-style: chr10-69366801-T-G.
Other names: c.106A>C, p.Thr36Pro (NM_001127384.3); c.142A>C, p.Thr48Pro (NM_001291133.2); short protein forms T48P, T36P.
Identifiers: ClinVar variation 1360378 (VCV001360378.6), dbSNP rs760248318, ClinGen allele CA5520699.